The following is an entry in ClinVar:

NM_006080.3(SEMA3A):c.1953G>A (p.Ala651=)

Gene: SEMA3A (semaphorin 3A; minus strand). Cytogenetic location: 7q21.11.
Variant type: single nucleotide variant.
Coding change: c.1953G>A on transcript NM_006080.3 (MANE Select); coding-DNA position 1953, G replaced by A.
Protein change: p.Ala651=; no amino-acid change (alanine 651 retained).
Molecular consequence: synonymous variant.
Genome position (GRCh38, 1-based): chr7:83,961,734, C>T on the plus strand (G>A on the coding strand, the complement: SEMA3A is on the minus strand). VCF-style: chr7-83961734-C-T. GRCh37 (hg19) VCF-style: chr7-83591050-C-T.
Identifiers: ClinVar variation 719714 (VCV000719714.49), dbSNP rs144851761, ClinGen allele CA4322565.

ClinVar aggregate classification (germline): Likely benign. Review status: criteria provided, multiple submitters, no conflicts (2 of 4 stars). 5 submissions from 5 submitters: Likely benign (4). 1 of the submissions does not count toward it. Last evaluated 2025-11-24.

Conditions:
SEMA3A-related disorder. Also called: SEMA3A-related condition.

Allele frequency attached by ClinVar (database versions not stated): 1000 Genomes Project 0.00020; gnomAD exomes 0.00025 and 0.00053; 1000 Genomes Project 30x 0.00031; gnomAD 0.00037 and 0.00038; TOPMed 0.00040; ExAC 0.00045; ESP Exome Variant Server 0.00046.
gnomAD v4.1: 452 of 1,613,790 alleles (0.028%); highest among the groups gnomAD compares: Middle Eastern, 0.25%; 1 homozygote.

Submissions (5):

Labcorp Genetics (formerly Invitae), Labcorp
Classification: Likely benign. Last evaluated: 2025-11-24. Review status: criteria provided, single submitter. Criteria: Invitae Variant Classification Sherloc (09022015). Collection method: clinical testing. Allele origin: germline.

CeGaT Center for Human Genetics Tuebingen
Classification: Likely benign. Last evaluated: 2021-08-01. Review status: criteria provided, single submitter. Criteria: CeGaT Center For Human Genetics Tuebingen Variant Classification Criteria Version 2. Collection method: clinical testing. Allele origin: germline. Affected: yes. Observed: 1 variant allele.

Genetic Services Laboratory, University of Chicago
Classification: Likely benign. Last evaluated: 2018-07-16. Review status: criteria provided, single submitter. Criteria: ACMG Guidelines, 2015. Collection method: clinical testing. Allele origin: germline. Affected: no.

Breakthrough Genomics
Classification: Likely benign. Review status: criteria provided, single submitter. Criteria: ACMG Guidelines, 2015. Collection method: not provided. Allele origin: germline. Inheritance: Autosomal dominant inheritance. Affected: yes.

PreventionGenetics, part of Exact Sciences
Classification: Benign for SEMA3A-related condition. Last evaluated: 2022-04-11. Review status: no assertion criteria provided. Collection method: clinical testing. Allele origin: germline. Not counted in ClinVar's aggregate classification.
Comment: This variant is classified as benign based on ACMG/AMP sequence variant interpretation guidelines (Richards et al. 2015 PMID: 25741868, with internal and published modifications).